The following is an entry in ClinVar:

NM_003242.6(TGFBR2):c.221C>A (p.Thr74Asn)

Gene: TGFBR2 (transforming growth factor beta receptor 2; plus strand). Cytogenetic location: 3p24.1.
Variant type: single nucleotide variant.
Coding change: c.221C>A on transcript NM_003242.6 (MANE Select); coding-DNA position 221, C replaced by A.
Protein change: p.Thr74Asn; replaces threonine 74 with asparagine.
Molecular consequence: missense variant. On other transcripts: intron variant (2).
Genome position (GRCh38, 1-based): chr3:30,644,873, C>A. VCF-style: chr3-30644873-C-A. GRCh37 (hg19) VCF-style: chr3-30686365-C-A.
Other names: c.116C>A, p.Thr39Asn (NM_001407132.1, NM_001407133.1, NM_001407134.1 and 3 more transcripts); c.296C>A, p.Thr99Asn (NM_001407139.1, NM_001024847.3, NM_001407126.1); c.169+21600C>A (NM_001407137.1); c.95-26765C>A (NM_001407138.1); c.221C>A, p.Thr74Asn (NM_001407127.1, NM_001407130.1); c.248C>A, p.Thr83Asn (NM_001407128.1); short protein forms T74N, T83N, T39N, T99N.
Identifiers: ClinVar variation 2774565 (VCV002774565.3), dbSNP rs2470510297, ClinGen allele CA351806583.

ClinVar aggregate classification (germline): Uncertain significance. Review status: criteria provided, multiple submitters, no conflicts (2 of 4 stars). 2 submissions from 2 submitters: Uncertain significance (2). Last evaluated 2023-11-30.

Conditions:
Familial thoracic aortic aneurysm and aortic dissection (TAAD). Also called: Thoracic aortic aneurysms and dissections. Identifiers: Orphanet 91387, MedGen C4707243, MONDO:0019625.
Loeys-Dietz syndrome 2 (LDS2). Also called: TGFBR2-Related Loeys-Dietz Syndrome; Marfan syndrome, type 2 (formerly); Marfan Syndrome type 2; Marfan like connective tissue disorder; MFS 2; AORTIC ANEURYSM, FAMILIAL THORACIC 3. Identifiers: Orphanet 284973, Orphanet 558, MedGen C2674574, MONDO:0012427, OMIM 610168.

Allele frequency attached by ClinVar (database versions not stated): gnomAD exomes below 0.00001.
gnomAD v4.1: 1 of 1,614,176 alleles (0.000062%); highest among the groups gnomAD compares: Non-Finnish European, 0.000085%; no homozygotes.

Submissions (2):

All of Us Research Program, National Institutes of Health
Classification: Uncertain significance for Loeys-Dietz syndrome 2. Last evaluated: 2023-11-30. Review status: criteria provided, single submitter. Criteria: ACMG Guidelines, 2015. Collection method: clinical testing. Allele origin: germline. Inheritance: Autosomal dominant inheritance. Observed: 1 variant allele, 1 heterozygote.
Comment: This study involves interpretation of variants in research participants for the purpose of population health screening. Participant phenotype was not available at the time of variant classification. Additional details can be found in publication PMID: 35346344, PMCID: PMC8962531

Color Diagnostics, LLC DBA Color Health
Classification: Uncertain significance for Familial thoracic aortic aneurysm and aortic dissection. Last evaluated: 2023-04-17. Review status: criteria provided, single submitter. Criteria: ACMG Guidelines, 2015. Collection method: clinical testing. Allele origin: germline.
Comment: This missense variant replaces threonine with asparagine at codon 74 of the TGFBR2 protein. Computational prediction suggests that this variant may not impact protein structure and function (internally defined REVEL score threshold <= 0.5, PMID: 27666373). To our knowledge, functional studies have not been reported for this variant. This variant has not been reported in individuals affected with TGFBR2-related disorders in the literature. This variant has not been identified in the general population by the Genome Aggregation Database (gnomAD). The available evidence is insufficient to determine the role of this variant in disease conclusively. Therefore, this variant is classified as a Variant of Uncertain Significance.